The following is an entry in ClinVar:

ClinVar aggregate classification (germline): Likely pathogenic (1 of 4 stars; one submission).

Allele frequency attached by ClinVar (database versions not stated): TOPMed below 0.00001.

Submission:

Labcorp Genetics (formerly Invitae), Labcorp
Classification: Likely pathogenic. Last evaluated: 2024-04-23. Review status: criteria provided, single submitter. Criteria: Invitae Variant Classification Sherloc (09022015). Collection method: clinical testing. Allele origin: germline.
Comment: This sequence change affects a splice site in intron 6 of the CD46 gene. It is expected to disrupt RNA splicing. Variants that disrupt the donor or acceptor splice site typically lead to a loss of protein function (PMID: 16199547), and loss-of-function variants in CD46 are known to be pathogenic (PMID: 16621965, 23431077). This variant is not present in population databases (gnomAD no frequency). This variant has not been reported in the literature in individuals affected with CD46-related conditions. ClinVar contains an entry for this variant (Variation ID: 1939914). Algorithms developed to predict the effect of sequence changes on RNA splicing suggest that this variant may disrupt the consensus splice site. In summary, the currently available evidence indicates that the variant is pathogenic, but additional data are needed to prove that conclusively. Therefore, this variant has been classified as Likely Pathogenic.

Literature cited by the submitters: PubMed 16199547; PubMed 16621965; PubMed 23431077.

NM_172351.3(CD46):c.856+2del

Gene: CD46 (CD46 molecule; plus strand). Cytogenetic location: 1q32.2.
Variant type: Deletion.
Coding change: c.856+2del on transcript NM_172351.3 (MANE Select); the canonical splice donor site of the intron after coding-DNA position 856, one base deleted (T; older notation c.856+2delT).
Molecular consequence: splice donor variant.
Genome position (GRCh38, 1-based): chr1:207,767,197, T deleted. VCF-style (leftmost placement, unchanged base first): chr1-207767196-GT-G. GRCh37 (hg19) VCF-style: chr1-207940541-GT-G.
Other names: c.856+2del (NM_002389.4, NM_172359.3, NM_153826.4 and 8 more transcripts).
Identifiers: ClinVar variation 1939914 (VCV001939914.5), dbSNP rs1656958874, ClinGen allele CA2483522863.
Genomic context (GRCh38, chr1:207,767,196, plus strand): 5'-ACACAATTGTCTGTGACAGTAACAGTACTTGGGATCCCCCAGTTCCAAAGTGTCTTAAAG[GT>G]ACAAAGGTTATCTTTTTTCTGTCTTGGTTTGTTATTGTTGTTGCTGTTCATTTTAGACTT-3'